The following is an entry in ClinVar:

NM_015910.7(WDPCP):c.1231A>G (p.Ile411Val)

Gene: WDPCP (WD repeat containing planar cell polarity effector; minus strand). Cytogenetic location: 2p15.
Variant type: single nucleotide variant.
Coding change: c.1231A>G on transcript NM_015910.7 (MANE Select); coding-DNA position 1231, A replaced by G.
Protein change: p.Ile411Val; replaces isoleucine 411 with valine.
Molecular consequence: missense variant. On other transcripts: non-coding transcript variant (3).
Genome position (GRCh38, 1-based): chr2:63,404,252, T>C on the plus strand (A>G on the coding strand, the complement: WDPCP is on the minus strand). VCF-style: chr2-63404252-T-C. GRCh37 (hg19) VCF-style: chr2-63631387-T-C.
Other names: c.754A>G, p.Ile252Val (NM_001042692.3); c.1159A>G, p.Ile387Val (NM_001354044.2); c.1231A>G, p.Ile411Val (NM_001354045.2); c.1231A>G (NM_015910.5); short protein forms I387V, I411V, I252V.
Identifiers: ClinVar variation 2023021 (VCV002023021.5), dbSNP rs761984635, ClinGen allele CA1682269.

ClinVar aggregate classification (germline): Uncertain significance. Review status: criteria provided, multiple submitters, no conflicts (2 of 4 stars). 2 submissions from 2 submitters: Uncertain significance (2). Last evaluated 2024-10-19.

Conditions:
Bardet-Biedl syndrome (BBS). Identifiers: Orphanet 110, MedGen C0752166, MONDO:0015229.
WDPCP-related disorder. Also called: WDPCP-related condition.

Allele frequency attached by ClinVar (database versions not stated): ExAC 0.00001; TOPMed 0.00001.
gnomAD v4.1: 7 of 1,613,632 alleles (0.00043%); highest among the groups gnomAD compares: Admixed American, 0.0067%; no homozygotes.

Submissions (2):

PreventionGenetics, part of Exact Sciences
Classification: Uncertain significance for WDPCP-related condition. Last evaluated: 2024-10-19. Review status: criteria provided, single submitter. Criteria: ACMG Guidelines, 2015. Collection method: clinical testing. Allele origin: germline.
Comment: The WDPCP c.1231A>G variant is predicted to result in the amino acid substitution p.Ile411Val. To our knowledge, this variant has not been reported in the literature. This variant is reported in 0.0065% of alleles in individuals of African descent in gnomAD. At this time, the clinical significance of this variant is uncertain due to the absence of conclusive functional and genetic evidence.

Labcorp Genetics (formerly Invitae), Labcorp
Classification: Uncertain significance for Bardet-Biedl syndrome. Last evaluated: 2021-12-01. Review status: criteria provided, single submitter. Criteria: Invitae Variant Classification Sherloc (09022015). Collection method: clinical testing. Allele origin: germline.
Comment: Algorithms developed to predict the effect of missense changes on protein structure and function output the following: SIFT: "Tolerated"; PolyPhen-2: "Benign"; Align-GVGD: "Class C0". The valine amino acid residue is found in multiple mammalian species, which suggests that this missense change does not adversely affect protein function. In summary, the available evidence is currently insufficient to determine the role of this variant in disease. Therefore, it has been classified as a Variant of Uncertain Significance. This variant has not been reported in the literature in individuals affected with WDPCP-related conditions. This variant is present in population databases (rs761984635, gnomAD 0.007%). This sequence change replaces isoleucine, which is neutral and non-polar, with valine, which is neutral and non-polar, at codon 411 of the WDPCP protein (p.Ile411Val).